The following is an entry in ClinVar:

NM_024656.4(COLGALT1):c.425A>G (p.His142Arg)

Gene: COLGALT1 (collagen beta(1-O)galactosyltransferase 1; plus strand). Cytogenetic location: 19p13.11.
Variant type: single nucleotide variant.
Coding change: c.425A>G on transcript NM_024656.4 (MANE Select); coding-DNA position 425, A replaced by G.
Protein change: p.His142Arg; replaces histidine 142 with arginine.
Molecular consequence: missense variant.
Genome position (GRCh38, 1-based): chr19:17,560,401, A>G. VCF-style: chr19-17560401-A-G. GRCh37 (hg19) VCF-style: chr19-17671210-A-G.
Other names: short protein forms H142R.
Identifiers: ClinVar variation 2023054 (VCV002023054.4), dbSNP rs745919348, ClinGen allele CA9296897.
Genomic context (GRCh38, chr19:17,560,401, plus strand): 5'-CCCATAGGTCCTACCCGGACGAGGAAGGCCCGAAACACTGGTCTGACTCACGCTACGAGC[A>G]TGTCATGAAGTTGCGCCAGGCAGCCCTGAAATCAGCTCGAGACATGTGGGCTGATTACAT-3'
Protein context (NP_078932.2, residues 132-152): PKHWSDSRYE[His142Arg]VMKLRQAALK

ClinVar aggregate classification (germline): Uncertain significance (1 of 4 stars; one submission).

Allele frequency attached by ClinVar (database versions not stated): gnomAD exomes below 0.00001; TOPMed below 0.00001; ExAC 0.00001; gnomAD 0.00001.
gnomAD v4.1: 5 of 1,614,082 alleles (0.00031%); highest among the groups gnomAD compares: Non-Finnish European, 0.00025%; no homozygotes.

Submission:

Labcorp Genetics (formerly Invitae), Labcorp
Classification: Uncertain significance. Last evaluated: 2022-08-10. Review status: criteria provided, single submitter. Criteria: Invitae Variant Classification Sherloc (09022015). Collection method: clinical testing. Allele origin: germline.
Comment: This sequence change replaces histidine, which is basic and polar, with arginine, which is basic and polar, at codon 142 of the COLGALT1 protein (p.His142Arg). In summary, the available evidence is currently insufficient to determine the role of this variant in disease. Therefore, it has been classified as a Variant of Uncertain Significance. Algorithms developed to predict the effect of missense changes on protein structure and function are either unavailable or do not agree on the potential impact of this missense change (SIFT: "Not Available"; PolyPhen-2: "Possibly Damaging"; Align-GVGD: "Not Available"). This variant has not been reported in the literature in individuals affected with COLGALT1-related conditions. This variant is present in population databases (rs745919348, gnomAD 0.002%).